The following is an entry in ClinVar:

ClinVar aggregate classification (germline): Uncertain significance (1 of 4 stars; one submission).

Conditions:
Combined immunodeficiency due to ZAP70 deficiency (IMD48). Also called: Immunodeficiency 48; ZAP70 Deficiency. Identifiers: Orphanet 911, MedGen C2931299, MONDO:0010023, OMIM 269840.

Submission:

Labcorp Genetics (formerly Invitae), Labcorp
Classification: Uncertain significance for Combined immunodeficiency due to ZAP70 deficiency. Last evaluated: 2022-06-13. Review status: criteria provided, single submitter. Criteria: Invitae Variant Classification Sherloc (09022015). Collection method: clinical testing. Allele origin: germline.
Comment: This variant has not been reported in the literature in individuals affected with ZAP70-related conditions. In summary, the available evidence is currently insufficient to determine the role of this variant in disease. Therefore, it has been classified as a Variant of Uncertain Significance. Algorithms developed to predict the effect of missense changes on protein structure and function output the following: SIFT: "Not Available"; PolyPhen-2: "Benign"; Align-GVGD: "Not Available". The glutamic acid amino acid residue is found in multiple mammalian species, which suggests that this missense change does not adversely affect protein function. This variant is not present in population databases (gnomAD no frequency). This sequence change replaces glutamine, which is neutral and polar, with glutamic acid, which is acidic and polar, at codon 554 of the ZAP70 protein (p.Gln554Glu).

NM_001079.4(ZAP70):c.1660C>G (p.Gln554Glu)

Gene: ZAP70 (zeta chain of T cell receptor associated protein kinase 70; plus strand). Cytogenetic location: 2q11.2.
Variant type: single nucleotide variant.
Coding change: c.1660C>G on transcript NM_001079.4 (MANE Select); coding-DNA position 1660, C replaced by G.
Protein change: p.Gln554Glu; replaces glutamine 554 with glutamic acid.
Molecular consequence: missense variant.
Genome position (GRCh38, 1-based): chr2:97,738,031, C>G. VCF-style: chr2-97738031-C-G. GRCh37 (hg19) VCF-style: chr2-98354494-C-G.
Other names: c.1660C>G, p.Gln554Glu (NM_001378594.1); c.739C>G, p.Gln247Glu (NM_207519.2); short protein forms Q554E, Q247E.
Identifiers: ClinVar variation 1363535 (VCV001363535.8), dbSNP rs2104705037, ClinGen allele CA347805303.